The following is an entry in ClinVar:

NM_012243.3(SLC35A3):c.725G>A (p.Arg242Gln)

Gene: SLC35A3 (solute carrier family 35 member A3; plus strand). Cytogenetic location: 1p21.2.
Variant type: single nucleotide variant.
Coding change: c.725G>A on transcript NM_012243.3 (MANE Select); coding-DNA position 725, G replaced by A.
Protein change: p.Arg242Gln; replaces arginine 242 with glutamine.
Molecular consequence: missense variant. On other transcripts: intron variant (1).
Genome position (GRCh38, 1-based): chr1:100,015,392, G>A. VCF-style: chr1-100015392-G-A. GRCh37 (hg19) VCF-style: chr1-100480948-G-A.
Other names: c.851G>A, p.Arg284Gln (NM_001271685.2); c.634+3859G>A (NM_001271684.2); short protein forms R242Q, R284Q.
Identifiers: ClinVar variation 863572 (VCV000863572.9), dbSNP rs760633616, ClinGen allele CA967650.

ClinVar aggregate classification (germline): Uncertain significance. Review status: criteria provided, single submitter (1 of 4 stars). 2 submissions from 2 submitters: Uncertain significance (1). 1 of the submissions does not count toward it. Last evaluated 2021-08-28.

Conditions:
Autism spectrum disorder - epilepsy - arthrogryposis syndrome (AMRS). Identifiers: Orphanet 370943, MedGen C3809910, MONDO:0014248, OMIM 615553.

Allele frequency attached by ClinVar (database versions not stated): gnomAD exomes below 0.00001; TOPMed below 0.00001; ExAC 0.00001.
gnomAD v4.1: 16 of 1,612,720 alleles (0.00099%); highest among the groups gnomAD compares: East Asian, 0.0022%; no homozygotes.

Submissions (2):

Labcorp Genetics (formerly Invitae), Labcorp
Classification: Uncertain significance for Autism spectrum disorder - epilepsy - arthrogryposis syndrome. Last evaluated: 2021-08-28. Review status: criteria provided, single submitter. Criteria: Invitae Variant Classification Sherloc (09022015). Collection method: clinical testing. Allele origin: germline.
Comment: This sequence change replaces arginine with glutamine at codon 242 of the SLC35A3 protein (p.Arg242Gln). The arginine residue is weakly conserved and there is a small physicochemical difference between arginine and glutamine. This variant is present in population databases (rs760633616, ExAC 0.002%). This variant has not been reported in the literature in individuals affected with SLC35A3-related conditions. Algorithms developed to predict the effect of missense changes on protein structure and function output the following: SIFT: "Tolerated"; PolyPhen-2: "Benign"; Align-GVGD: "Class C0". The glutamine amino acid residue is found in multiple mammalian species, which suggests that this missense change does not adversely affect protein function. In summary, the available evidence is currently insufficient to determine the role of this variant in disease. Therefore, it has been classified as a Variant of Uncertain Significance.

Natera, Inc.
Classification: Uncertain significance for Arthrogryposis, mental retardation, and seizures. Last evaluated: 2020-07-02. Review status: no assertion criteria provided. Collection method: clinical testing. Allele origin: germline. Not counted in ClinVar's aggregate classification.